The following is an entry in ClinVar:

ClinVar aggregate classification (germline): Likely pathogenic (1 of 4 stars; one submission).

Conditions:
Epilepsy, familial focal, with variable foci 3 (FFEVF3). Identifiers: MedGen C4310708, MONDO:0014925, OMIM 617118.

Submission:

Labcorp Genetics (formerly Invitae), Labcorp
Classification: Likely pathogenic for Epilepsy, familial focal, with variable foci 3. Last evaluated: 2022-12-21. Review status: criteria provided, single submitter. Criteria: Invitae Variant Classification Sherloc (09022015). Collection method: clinical testing. Allele origin: germline.
Comment: In summary, the currently available evidence indicates that the variant is pathogenic, but additional data are needed to prove that conclusively. Therefore, this variant has been classified as Likely Pathogenic. Algorithms developed to predict the effect of sequence changes on RNA splicing suggest that this variant may disrupt the consensus splice site. This variant has not been reported in the literature in individuals affected with NPRL3-related conditions. This variant is not present in population databases (gnomAD no frequency). This sequence change affects a donor splice site in intron 2 of the NPRL3 gene. It is expected to disrupt RNA splicing. Variants that disrupt the donor or acceptor splice site typically lead to a loss of protein function (PMID: 16199547), and loss-of-function variants in NPRL3 are known to be pathogenic (PMID: 26285051, 26505888).

Literature cited by the submitters: PubMed 16199547; PubMed 26285051; PubMed 26505888.

NM_001077350.3(NPRL3):c.118+1G>A

Genes: HBA-LCR (alpha-globin locus control region; plus strand), NPRL3 (NPR3 like, GATOR1 complex subunit; minus strand). Cytogenetic location: 16p13.3.
Variant type: single nucleotide variant.
Coding change: c.118+1G>A on transcript NM_001077350.3 (MANE Select); the canonical splice donor site of the intron after coding-DNA position 118, G replaced by A.
Molecular consequence: splice donor variant.
Genome position (GRCh38, 1-based): chr16:138,149, C>T on the plus strand (G>A on the coding strand, the complement: NPRL3 is on the minus strand). VCF-style: chr16-138149-C-T. GRCh37 (hg19) VCF-style: chr16-188148-C-T.
Other names: c.-254+1G>A (NM_001243247.2); c.118+1G>A (NM_001243248.2, NM_001243249.2); c.-215+1G>A (NM_001039476.3).
Identifiers: ClinVar variation 2812906 (VCV002812906.3), dbSNP rs2505378552, ClinGen allele CA393999472.